The following is an entry in ClinVar:

ClinVar aggregate classification (germline): Pathogenic/Likely pathogenic. Review status: criteria provided, multiple submitters, no conflicts (2 of 4 stars). 4 submissions from 4 submitters: Pathogenic (2); Likely pathogenic (2). Last evaluated 2025-09-10.

Conditions:
ABCA4-related disorder. Also called: ABCA4-related condition; ABCA4-related disorders. Identifiers: MedGen CN239167.
Severe early-childhood-onset retinal dystrophy (STGD1). Also called: Stargardt macular dystrophy; Juvenile onset macular degeneration; Stargardt disease 1; MACULAR DYSTROPHY WITH FLECKS, TYPE 1; STGD. Identifiers: Orphanet 364055, Orphanet 827, MedGen C1855465, MeSH D000080362, MONDO:0009549, OMIM 248200.

Allele frequency attached by ClinVar (database versions not stated): TOPMed 0.00001.

Submissions (4):

Dasa
Classification: Likely pathogenic for Severe early-childhood-onset retinal dystrophy. Last evaluated: 2025-09-10. Review status: criteria provided, single submitter. Criteria: DASA Assertion Criteria. Collection method: clinical testing. Allele origin: germline.
Comment: NM_000350.3(ABCA4):c.6471del (p.Lys2158Serfs*12) is a frameshift variant in ABCA4 predicted to alter the reading frame and introduce a premature termination codon and is predicted to result in an absent or altered protein product. Loss of function is an established disease mechanism for ABCA4-associated disorders. Also, this variant is absent from population databases. Based on the currently available evidence, this variant is classified as likely pathogenic.

Labcorp Genetics (formerly Invitae), Labcorp
Classification: Pathogenic. Last evaluated: 2024-10-26. Review status: criteria provided, single submitter. Criteria: Invitae Variant Classification Sherloc (09022015). Collection method: clinical testing. Allele origin: germline.
Comment: This sequence change creates a premature translational stop signal (p.Lys2158Serfs*12) in the ABCA4 gene. It is expected to result in an absent or disrupted protein product. Loss-of-function variants in ABCA4 are known to be pathogenic (PMID: 10958761, 24938718, 25312043, 26780318). This variant is not present in population databases (gnomAD no frequency). This variant has not been reported in the literature in individuals affected with ABCA4-related conditions. ClinVar contains an entry for this variant (Variation ID: 801503). For these reasons, this variant has been classified as Pathogenic.

Mendelics
Classification: Pathogenic for Severe early-childhood-onset retinal dystrophy. Last evaluated: 2019-05-28. Review status: criteria provided, single submitter. Criteria: Mendelics Assertion Criteria 2017. Collection method: clinical testing. Allele origin: unknown.

Blueprint Genetics
Classification: Likely pathogenic for ABCA4-related disorders. Last evaluated: 2017-11-17. Review status: criteria provided, single submitter. Criteria: ACMG Guidelines, 2015. Collection method: clinical testing. Allele origin: germline. Affected: yes. Observed: 1 variant allele.

Literature cited by the submitters: PubMed 10958761 (cited by Labcorp Genetics (formerly Invitae), Labcorp); PubMed 24938718 (cited by Labcorp Genetics (formerly Invitae), Labcorp); PubMed 25312043 (cited by Labcorp Genetics (formerly Invitae), Labcorp); PubMed 26780318 (cited by Labcorp Genetics (formerly Invitae), Labcorp).

NM_000350.3(ABCA4):c.6471del (p.Lys2158fs)

Gene: ABCA4 (ATP binding cassette subfamily A member 4; minus strand). Cytogenetic location: 1p22.1.
Variant type: Deletion.
Coding change: c.6471del on transcript NM_000350.3 (MANE Select); coding-DNA position 6471, one base deleted (C; older notation c.6471delC).
Protein change: p.Lys2158fs; shifts the reading frame from lysine 2158.
Molecular consequence: frameshift variant.
Genome position (GRCh38, 1-based): chr1:94,000,844, G deleted on the plus strand (C on the coding strand, the reverse complement: ABCA4 is on the minus strand). VCF-style (leftmost placement, unchanged base first): chr1-94000843-TG-T. GRCh37 (hg19) VCF-style: chr1-94466399-TG-T.
Other names: c.6249delC, p.Lys2084Serfs (NM_001425324.1); short protein forms K2158fs.
Identifiers: ClinVar variation 801503 (VCV000801503.10), dbSNP rs1373168392, ClinGen allele CA740502354.